The following is an entry in ClinVar:

ClinVar aggregate classification (germline): Uncertain significance (1 of 4 stars; one submission).

Submission:

Ambry Genetics
Classification: Uncertain significance. Last evaluated: 2024-10-08. Review status: criteria provided, single submitter. Criteria: Ambry Variant Classification Scheme 2023. Collection method: clinical testing. Allele origin: germline.
Comment: The p.L501M variant (also known as c.1501C>A), located in coding exon 14 of the RAD54L gene, results from a C to A substitution at nucleotide position 1501. The leucine at codon 501 is replaced by methionine, an amino acid with highly similar properties. This amino acid position is conserved. In addition, this alteration is predicted to be deleterious by in silico analysis. Based on the available evidence, the clinical significance of this variant remains unclear.

NM_003579.4(RAD54L):c.1501C>A (p.Leu501Met)

Gene: RAD54L (RAD54 like; plus strand). Cytogenetic location: 1p34.1.
Variant type: single nucleotide variant.
Coding change: c.1501C>A on transcript NM_003579.4 (MANE Select); coding-DNA position 1501, C replaced by A.
Protein change: p.Leu501Met; replaces leucine 501 with methionine.
Molecular consequence: missense variant.
Genome position (GRCh38, 1-based): chr1:46,273,638, C>A. VCF-style: chr1-46273638-C-A. GRCh37 (hg19) VCF-style: chr1-46739310-C-A.
Other names: c.1501C>A, p.Leu501Met (NM_001142548.2); c.961C>A, p.Leu321Met (NM_001370766.1); short protein forms L321M, L501M.
Identifiers: ClinVar variation 3429823 (VCV003429823.1).